The following is an entry in ClinVar:

NM_025215.6(PUS1):c.492C>T (p.Asp164=)

Gene: PUS1 (pseudouridine synthase 1; plus strand). Cytogenetic location: 12q24.33.
Variant type: single nucleotide variant.
Coding change: c.492C>T on transcript NM_025215.6 (MANE Select); coding-DNA position 492, C replaced by T.
Protein change: p.Asp164=; no amino-acid change (aspartic acid 164 retained).
Molecular consequence: synonymous variant.
Genome position (GRCh38, 1-based): chr12:131,939,223, C>T. VCF-style: chr12-131939223-C-T. GRCh37 (hg19) VCF-style: chr12-132423768-C-T.
Other names: c.408C>T, p.Asp136= (NM_001002019.3, NM_001002020.3).
Identifiers: ClinVar variation 511582 (VCV000511582.39), dbSNP rs377021316, ClinGen allele CA6884153.
Genomic context (GRCh38, chr12:131,939,223, plus strand): 5'-TTGTTTACAGGGTGTGTCCGCAGCCGGCCAGGTGGTATCCCTGAAGGTGTGGCTGATTGA[C>T]GACATTCTAGAAAAGATCAACAGCCACCTTCCCTCTCACATTCGGATTCTGGGTAAGCCT-3'
Protein context (NP_079491.2, residues 154-174): QVVSLKVWLI[Asp164=]DILEKINSHL

ClinVar aggregate classification (germline): Likely benign. Review status: criteria provided, multiple submitters, no conflicts (2 of 4 stars). 4 submissions from 4 submitters: Likely benign (4). Last evaluated 2026-09-01.

Allele frequency attached by ClinVar (database versions not stated): gnomAD exomes 0.00002 and 0.00006; gnomAD 0.00003; ExAC 0.00004; TOPMed 0.00004; ESP Exome Variant Server 0.00008.

Submissions (4):

CeGaT Center for Human Genetics Tuebingen
Classification: Likely benign. Last evaluated: 2026-09-01. Review status: criteria provided, single submitter. Criteria: CeGaT Center For Human Genetics Tuebingen Variant Classification Criteria Version 2. Collection method: clinical testing. Allele origin: germline. Affected: yes. Observed: 3 variant alleles.
Comment: PUS1: BP4, BP7

Labcorp Genetics (formerly Invitae), Labcorp
Classification: Likely benign. Last evaluated: 2025-08-22. Review status: criteria provided, single submitter. Criteria: Invitae Variant Classification Sherloc (09022015). Collection method: clinical testing. Allele origin: germline.

Blueprint Genetics
Classification: Likely benign. Last evaluated: 2024-03-13. Review status: criteria provided, single submitter. Criteria: ACMG Guidelines, 2015. Collection method: clinical testing. Allele origin: germline.

GeneDx
Classification: Likely benign. Last evaluated: 2020-04-03. Review status: criteria provided, single submitter. Criteria: GeneDx Variant Classification Process June 2021. Collection method: clinical testing. Allele origin: germline. Affected: yes.